The following is an entry in ClinVar:

NM_002875.5(RAD51):c.53_69delinsTATCTTCTT (p.Glu18fs)

Gene: RAD51 (RAD51 recombinase; plus strand). Cytogenetic location: 15q15.1.
Variant type: Indel.
Coding change: c.53_69delinsTATCTTCTT on transcript NM_002875.5 (MANE Select); coding-DNA positions 53 to 69, AAAGCTTTGGCCCACAA replaced by TATCTTCTT.
Protein change: p.Glu18fs; shifts the reading frame from glutamic acid 18.
Molecular consequence: frameshift variant.
Genome position (GRCh38, 1-based): chr15:40,698,811-40,698,827, AAAGCTTTGGCCCACAA replaced by TATCTTCTT. VCF-style: chr15-40698811-AAAGCTTTGGCCCACAA-TATCTTCTT. GRCh37 (hg19) VCF-style: chr15-40991009-AAAGCTTTGGCCCACAA-TATCTTCTT.
Other names: c.53_69delinsTATCTTCTT, p.Glu18fs (NM_001164269.2, NM_001164270.2, NM_133487.4); short protein forms E18fs.
Identifiers: ClinVar variation 2636942 (VCV002636942.1), dbSNP rs2504406488, ClinGen allele CA2695197262.
Genomic context (GRCh38, chr15:40,698,811, plus strand): 5'-TTTCAGTAATGGCAATGCAGATGCAGCTTGAAGCAAATGCAGATACTTCAGTGGAAGAAG[AAAGCTTTGGCCCACAA>TATCTTCTT]CCCATTTCACGGTTAGAGGTATGTGGTTAGTTGCTAATTTTGGAATTATATACTAGATTC-3'

ClinVar aggregate classification (germline): Likely pathogenic (1 of 4 stars; one submission).

Conditions:
RAD51-related disorder. Also called: RAD51-related condition; RAD51-related disorders.

Submission:

PreventionGenetics, part of Exact Sciences
Classification: Likely pathogenic for RAD51-related condition. Last evaluated: 2022-09-15. Review status: criteria provided, single submitter. Criteria: ACMG Guidelines, 2015. Collection method: clinical testing. Allele origin: germline.
Comment: The RAD51 c.53_69delinsTATCTTCTT variant is predicted to result in a frameshift and premature protein termination (p.Glu18Valfs*44). To our knowledge, this variant has not been reported in the literature or in a large population database, indicating this variant is rare. Loss of function variants in RAD51 have been associated with congenital mirror movements, which has been reported to have incomplete penetrance within families (Depienne. 2012. PubMed ID: 22305526; Trouillard. 2016. PubMed ID: 27830107). This variant is interpreted as likely pathogenic.